The following is an entry in ClinVar:

NM_000100.4(CSTB):c.290A>G (p.Tyr97Cys)

Gene: CSTB (cystatin B; minus strand). Cytogenetic location: 21q22.3.
Variant type: single nucleotide variant.
Coding change: c.290A>G on transcript NM_000100.4 (MANE Select); coding-DNA position 290, A replaced by G.
Protein change: p.Tyr97Cys; replaces tyrosine 97 with cysteine.
Molecular consequence: missense variant.
Genome position (GRCh38, 1-based): chr21:43,774,209, T>C on the plus strand (A>G on the coding strand, the complement: CSTB is on the minus strand). VCF-style: chr21-43774209-T-C. GRCh37 (hg19) VCF-style: chr21-45194090-T-C.
Other names: short protein forms Y97C.
Identifiers: ClinVar variation 566823 (VCV000566823.6), dbSNP rs1186810947, ClinGen allele CA410407606.

ClinVar aggregate classification (germline): Uncertain significance (1 of 4 stars; one submission).

Conditions:
Progressive myoclonic epilepsy. Also called: Familial progressive myoclonic epilepsy; Progressive myoclonus epilepsy; Myoclonic Epilepsies, Progressive; Myoclonus epilepsy. Identifiers: Orphanet 308, Orphanet 98261, MedGen C0751778, MONDO:0020074.

Allele frequency attached by ClinVar (database versions not stated): TOPMed below 0.00001; gnomAD 0.00001; gnomAD exomes 0.00001 and 0.00002.
gnomAD v4.1: 15 of 1,614,086 alleles (0.00093%); highest among the groups gnomAD compares: Admixed American, 0.0033%; no homozygotes.

Submission:

Labcorp Genetics (formerly Invitae), Labcorp
Classification: Uncertain significance for Progressive myoclonic epilepsy. Last evaluated: 2020-12-17. Review status: criteria provided, single submitter. Criteria: Invitae Variant Classification Sherloc (09022015). Collection method: clinical testing. Allele origin: germline.
Comment: This variant has not been reported in the literature in individuals with CSTB-related disease. In summary, the available evidence is currently insufficient to determine the role of this variant in disease. Therefore, it has been classified as a Variant of Uncertain Significance. Algorithms developed to predict the effect of missense changes on protein structure and function are either unavailable or do not agree on the potential impact of this missense change (SIFT: "Deleterious"; PolyPhen-2: "Benign"; Align-GVGD: "Class C55"). This variant is not present in population databases (ExAC no frequency). This sequence change replaces tyrosine with cysteine at codon 97 of the CSTB protein (p.Tyr97Cys). The tyrosine residue is highly conserved and there is a large physicochemical difference between tyrosine and cysteine.